The following is an entry in ClinVar:

ClinVar aggregate classification (germline): Benign/Likely benign. Review status: criteria provided, multiple submitters, no conflicts (2 of 4 stars). 15 submissions from 10 submitters: Benign (9); Likely benign (6). Last evaluated 2026-06-01.

Conditions:
Inborn genetic diseases. Identifiers: MedGen C0950123, MeSH D030342.
Connective tissue disorder. Also called: Connective tissue disease. Identifiers: MedGen C0009782, MONDO:0003900.
Charcot-Marie-Tooth disease. Also called: Charcot-Marie-Tooth Hereditary Neuropathy; Charcot-Marie-Tooth Neuropathy. Identifiers: Orphanet 166, MedGen C0007959, MONDO:0015626.
Spondylometaphyseal dysplasia, Kozlowski type (SMDK). Also called: Spondylometaphyseal Dysplasia, TRPV4-Related (Kozlowski Type); Dysmorphism arthrogryposis skeletal maturation advanced; Jequier-Kozlowski syndrome; Skeletal dysplasia Jequier-Kozlowski type; SMD Kozlowski type. Identifiers: Orphanet 93314, MedGen C0265280, MONDO:0008477, OMIM 184252.
Scapuloperoneal spinal muscular atrophy (SPSMA). Also called: Scapuloperoneal Spinal Muscular Atrophy, TRPV4-Related; AMYOTROPHY, NEUROGENIC SCAPULOPERONEAL, NEW ENGLAND TYPE; Scapuloperoneal Form of Spinal Muscular Atrophy; Scapuloperoneal spinal muscular atrophy, autosomal dominant. Identifiers: Orphanet 431255, MedGen C0751335, MONDO:0008408, OMIM 181405.
Charcot-Marie-Tooth disease axonal type 2C (HMSN2C). Also called: Charcot-Marie-Tooth Disease Type 2, TRPV4-Related (CMT2C); CHARCOT-MARIE-TOOTH DISEASE, AXONAL, AUTOSOMAL DOMINANT, TYPE 2C; Charcot-Marie-Tooth Neuropathy Type 2C. Identifiers: Orphanet 99937, MedGen C1853710, MONDO:0011633, OMIM 606071.
Brachyrachia (short spine dysplasia) (BCYM3). Also called: Brachyolmia, TRPV4-Related; Brachyolmia Type 3; BRACHYRACHIA; Autosomal dominant brachyolmia. Identifiers: Orphanet 93304, MedGen C0432227, MONDO:0007232, OMIM 113500.
Metatropic dysplasia (MTD). Also called: Metatropic Dysplasia, TRPV4-Related; Metatropic dysplasia, nonlethal dominant; METATROPIC DWARFISM. Identifiers: Orphanet 2635, MedGen C0265281, MONDO:0007986, OMIM 156530.
Neuronopathy, distal hereditary motor, autosomal dominant 8. Also called: SPINAL MUSCULAR ATROPHY, CONGENITAL BENIGN, WITH CONTRACTURES; NEURONOPATHY, DISTAL HEREDITARY MOTOR, TYPE VIII; NEUROPATHY, DISTAL HEREDITARY MOTOR, TYPE VIII; Autosomal dominant congenital benign spinal muscular atrophy. Identifiers: Orphanet 1216, MedGen C1838492, MONDO:0010839, OMIM 600175.

Allele frequency attached by ClinVar (database versions not stated): ESP Exome Variant Server 0.00100; 1000 Genomes Project 30x 0.00031; gnomAD exomes 0.00068 and 0.00198; gnomAD 0.00108 and 0.00106; ExAC 0.00056; TOPMed 0.00096; 1000 Genomes Project 0.00020.
gnomAD v4.1: 3,064 of 1,614,108 alleles (0.19%); highest among the groups gnomAD compares: Non-Finnish European, 0.24%; 1 homozygote.

Submissions (15):

CeGaT Center for Human Genetics Tuebingen
Classification: Likely benign. Last evaluated: 2026-06-01. Review status: criteria provided, single submitter. Criteria: CeGaT Center For Human Genetics Tuebingen Variant Classification Criteria Version 2. Collection method: clinical testing. Allele origin: germline. Affected: yes. Observed: 13 variant alleles.
Comment: TRPV4: BP4, BP7, BS1

Labcorp Genetics (formerly Invitae), Labcorp
Classification: Benign for Charcot-Marie-Tooth disease axonal type 2C. Last evaluated: 2026-02-03. Review status: criteria provided, single submitter. Criteria: Invitae Variant Classification Sherloc (09022015). Collection method: clinical testing. Allele origin: germline.

Athena Diagnostics
Classification: Benign. Last evaluated: 2025-10-10. Review status: criteria provided, single submitter. Criteria: Athena Diagnostics Criteria. Collection method: clinical testing. Allele origin: unknown.
Comment: The frequency of this variant in the general population is higher than would generally be expected for pathogenic variants in this gene.

Blueprint Genetics
Classification: Likely benign. Last evaluated: 2024-11-21. Review status: criteria provided, single submitter. Criteria: ACMG Guidelines, 2015. Collection method: clinical testing. Allele origin: germline.

ARUP Laboratories, Molecular Genetics and Genomics, ARUP Laboratories
Classification: Benign. Last evaluated: 2023-09-18. Review status: criteria provided, single submitter. Criteria: ARUP Molecular Germline Variant Investigation Process 2024. Collection method: clinical testing. Allele origin: germline.

Genome Diagnostics Laboratory, The Hospital for Sick Children
Classification: Likely benign for Connective tissue disorder. Last evaluated: 2020-08-24. Review status: criteria provided, single submitter. Criteria: ACMG Guidelines, 2015. Collection method: clinical testing. Allele origin: germline.

GeneDx
Classification: Benign. Last evaluated: 2019-08-22. Review status: criteria provided, single submitter. Criteria: GeneDx Variant Classification Process June 2021. Collection method: clinical testing. Allele origin: germline. Affected: yes.

Ambry Genetics
Classification: Likely benign for Inborn genetic diseases. Last evaluated: 2019-07-11. Review status: criteria provided, single submitter. Criteria: Ambry Variant Classification Scheme 2023. Collection method: clinical testing. Allele origin: germline.

Illumina Laboratory Services, Illumina
Classification: Benign for Brachyrachia (short spine dysplasia). Last evaluated: 2018-01-13. Review status: criteria provided, single submitter. Criteria: ICSL Variant Classification Criteria 13 December 2019. Collection method: clinical testing. Allele origin: germline.
Comment: This variant was observed in the ICSL laboratory as part of a predisposition screen in an ostensibly healthy population. It had not been previously curated by ICSL or reported in the Human Gene Mutation Database (HGMD: prior to June 1st, 2018), and was therefore a candidate for classification through an automated scoring system. Utilizing variant allele frequency, disease prevalence and penetrance estimates, and inheritance mode, an automated score was calculated to assess if this variant is too frequent to cause the disease. Based on the score and internal cut-off values, a variant classified as benign is not then subjected to further curation. The score for this variant resulted in a classification of benign for this disease.

Illumina Laboratory Services, Illumina
Classification: Likely benign for Charcot-Marie-Tooth disease axonal type 2C. Last evaluated: 2018-01-13. Review status: criteria provided, single submitter. Criteria: ICSL Variant Classification Criteria 13 December 2019. Collection method: clinical testing. Allele origin: germline.
Comment: This variant was observed in the ICSL laboratory as part of a predisposition screen in an ostensibly healthy population. It had not been previously curated by ICSL or reported in the Human Gene Mutation Database (HGMD: prior to June 1st, 2018), and was therefore a candidate for classification through an automated scoring system. Utilizing variant allele frequency, disease prevalence and penetrance estimates, and inheritance mode, an automated score was calculated to assess if this variant is too frequent to cause the disease. Based on the score and internal cut-off values, a variant classified as likely benign is not then subjected to further curation. The score for this variant resulted in a classification of likely benign for this disease.

Illumina Laboratory Services, Illumina
Classification: Benign for Metatropic dysplasia. Last evaluated: 2018-01-13. Review status: criteria provided, single submitter. Criteria: ICSL Variant Classification Criteria 13 December 2019. Collection method: clinical testing. Allele origin: germline.
Comment: the same text as in the submission from Illumina Laboratory Services, Illumina above.

Illumina Laboratory Services, Illumina
Classification: Benign for Spondylometaphyseal dysplasia, Kozlowski type. Last evaluated: 2018-01-13. Review status: criteria provided, single submitter. Criteria: ICSL Variant Classification Criteria 13 December 2019. Collection method: clinical testing. Allele origin: germline.
Comment: the same text as in the submission from Illumina Laboratory Services, Illumina above.

Illumina Laboratory Services, Illumina
Classification: Benign for Neuronopathy, distal hereditary motor, autosomal dominant 8. Last evaluated: 2018-01-13. Review status: criteria provided, single submitter. Criteria: ICSL Variant Classification Criteria 13 December 2019. Collection method: clinical testing. Allele origin: germline.
Comment: the same text as in the submission from Illumina Laboratory Services, Illumina above.

Illumina Laboratory Services, Illumina
Classification: Benign for Scapuloperoneal spinal muscular atrophy. Last evaluated: 2018-01-13. Review status: criteria provided, single submitter. Criteria: ICSL Variant Classification Criteria 13 December 2019. Collection method: clinical testing. Allele origin: germline.
Comment: the same text as in the submission from Illumina Laboratory Services, Illumina above.

Molecular Genetics Laboratory, London Health Sciences Centre
Classification: Likely benign for Charcot-Marie-Tooth disease. Review status: criteria provided, single submitter. Criteria: ACMG Guidelines, 2015. Collection method: clinical testing. Allele origin: germline. Affected: yes.

Literature cited by the submitters: PubMed 22851605 (cited by Athena Diagnostics).

NM_021625.5(TRPV4):c.1308C>T (p.Ile436=)

Gene: TRPV4 (transient receptor potential cation channel subfamily V member 4; minus strand). Cytogenetic location: 12q24.11.
Variant type: single nucleotide variant.
Coding change: c.1308C>T on transcript NM_021625.5 (MANE Select); coding-DNA position 1308, C replaced by T.
Protein change: p.Ile436=; no amino-acid change (isoleucine 436 retained).
Molecular consequence: synonymous variant. On other transcripts: intron variant (2).
Genome position (GRCh38, 1-based): chr12:109,796,549, G>A on the plus strand (C>T on the coding strand, the complement: TRPV4 is on the minus strand). VCF-style: chr12-109796549-G-A. GRCh37 (hg19) VCF-style: chr12-110234354-G-A.
Other names: c.1012-2062C>T (NM_001177433.1); c.1153-2062C>T (NM_147204.2); c.1167C>T, p.Ile389= (NM_001177428.2); c.1206C>T, p.Ile402= (NM_001177431.2).
Identifiers: ClinVar variation 215532 (VCV000215532.47), dbSNP rs141244183, ClinGen allele CA336996.